The following is an entry in ClinVar:

NM_032790.4(ORAI1):c.637A>G (p.Ser213Gly)

Gene: ORAI1 (ORAI calcium release-activated calcium modulator 1; plus strand). Cytogenetic location: 12q24.31.
Variant type: single nucleotide variant.
Coding change: c.637A>G on transcript NM_032790.4 (MANE Select); coding-DNA position 637, A replaced by G.
Protein change: p.Ser213Gly; replaces serine 213 with glycine.
Molecular consequence: missense variant. On other transcripts: non-coding transcript variant (1).
Genome position (GRCh38, 1-based): chr12:121,641,374, A>G. VCF-style: chr12-121641374-A-G. GRCh37 (hg19) VCF-style: chr12-122079280-A-G.
Other names: short protein forms S213G.
Identifiers: ClinVar variation 2926876 (VCV002926876.3), dbSNP rs1252712174, ClinGen allele CA386984007.

ClinVar aggregate classification (germline): Uncertain significance (1 of 4 stars; one submission).

Conditions:
Myopathy, tubular aggregate, 2 (TAM2). Identifiers: MedGen C4014557, MONDO:0014383, OMIM 615883.
Combined immunodeficiency due to ORAI1 deficiency. Also called: IMMUNODEFICIENCY 9. Identifiers: Orphanet 169090, Orphanet 317428, MedGen C2748568, MONDO:0013007, OMIM 612782.

Allele frequency attached by ClinVar (database versions not stated): gnomAD 0.00001; gnomAD exomes 0.00001; TOPMed 0.00002.

Submission:

Labcorp Genetics (formerly Invitae), Labcorp
Classification: Uncertain significance for Myopathy, tubular aggregate, 2; Combined immunodeficiency due to ORAI1 deficiency. Last evaluated: 2024-09-02. Review status: criteria provided, single submitter. Criteria: Invitae Variant Classification Sherloc (09022015). Collection method: clinical testing. Allele origin: germline.
Comment: This sequence change replaces serine, which is neutral and polar, with glycine, which is neutral and non-polar, at codon 213 of the ORAI1 protein (p.Ser213Gly). This variant is present in population databases (no rsID available, gnomAD 0.0009%). This variant has not been reported in the literature in individuals affected with ORAI1-related conditions. An algorithm developed to predict the effect of missense changes on protein structure and function outputs the following: PolyPhen-2: "Not Available". The glycine amino acid residue is found in multiple mammalian species, which suggests that this missense change does not adversely affect protein function. In summary, the available evidence is currently insufficient to determine the role of this variant in disease. Therefore, it has been classified as a Variant of Uncertain Significance.